The following is an entry in ClinVar:

NM_000701.8(ATP1A1):c.1970C>G (p.Pro657Arg)

Genes: ATP1A1-AS1 (ATP1A1 antisense RNA 1; minus strand), ATP1A1 (ATPase Na+/K+ transporting subunit alpha 1; plus strand). Cytogenetic location: 1p13.1.
Variant type: single nucleotide variant.
Coding change: c.1970C>G on transcript NM_000701.8 (MANE Select); coding-DNA position 1970, C replaced by G.
Protein change: p.Pro657Arg; replaces proline 657 with arginine.
Molecular consequence: missense variant.
Genome position (GRCh38, 1-based): chr1:116,396,731, C>G. VCF-style: chr1-116396731-C-G. GRCh37 (hg19) VCF-style: chr1-116939353-C-G.
Other names: c.1970C>G, p.Pro657Arg (NM_001160233.2); c.1877C>G, p.Pro626Arg (NM_001160234.2); short protein forms P626R, P657R.
Identifiers: ClinVar variation 1721357 (VCV001721357.5), dbSNP rs2525869363, ClinGen allele CA341772310.

ClinVar aggregate classification (germline): Uncertain significance (1 of 4 stars; one submission).

Submission:

Labcorp Genetics (formerly Invitae), Labcorp
Classification: Uncertain significance. Last evaluated: 2022-10-09. Review status: criteria provided, single submitter. Criteria: Invitae Variant Classification Sherloc (09022015). Collection method: clinical testing. Allele origin: germline.
Comment: In summary, the available evidence is currently insufficient to determine the role of this variant in disease. Therefore, it has been classified as a Variant of Uncertain Significance. Advanced modeling of protein sequence and biophysical properties (such as structural, functional, and spatial information, amino acid conservation, physicochemical variation, residue mobility, and thermodynamic stability) performed at Invitae indicates that this missense variant is not expected to disrupt ATP1A1 protein function. This variant has not been reported in the literature in individuals affected with ATP1A1-related conditions. This variant is not present in population databases (gnomAD no frequency). This sequence change replaces proline, which is neutral and non-polar, with arginine, which is basic and polar, at codon 657 of the ATP1A1 protein (p.Pro657Arg).